The following is an entry in ClinVar:

ClinVar aggregate classification (germline): Uncertain significance. Review status: criteria provided, multiple submitters, no conflicts (2 of 4 stars). 2 submissions from 2 submitters: Uncertain significance (2). Last evaluated 2023-12-21.

Conditions:
Hereditary cancer-predisposing syndrome. Also called: Tumor predisposition; Hereditary Cancer Syndrome; Neoplastic Syndromes, Hereditary; Hereditary neoplastic syndrome. Identifiers: Orphanet 140162, MedGen C0027672, MeSH D009386, MONDO:0015356.
Ataxia-telangiectasia syndrome (AT). Also called: Cerebello-oculocutaneous telangiectasia; Immunodeficiency with ataxia telangiectasia; ATAXIA-TELANGIECTASIA, COMPLEMENTATION GROUP A; ATAXIA-TELANGIECTASIA, FRESNO VARIANT; LOUIS-BAR SYNDROME; Ataxia-telangiectasia, complementation group E. Identifiers: Orphanet 100, MedGen C0004135, MONDO:0008840, OMIM 208900.

Submissions (2):

Ambry Genetics
Classification: Uncertain significance for Hereditary cancer-predisposing syndrome. Last evaluated: 2023-12-21. Review status: criteria provided, single submitter. Criteria: Ambry Variant Classification Scheme 2023. Collection method: clinical testing. Allele origin: germline.
Comment: The p.L580H variant (also known as c.1739T>A), located in coding exon 10 of the ATM gene, results from a T to A substitution at nucleotide position 1739. The leucine at codon 580 is replaced by histidine, an amino acid with similar properties. This amino acid position is conserved. In addition, this alteration is predicted to be deleterious by in silico analysis. Since supporting evidence is limited at this time, the clinical significance of this alteration remains unclear.

Labcorp Genetics (formerly Invitae), Labcorp
Classification: Uncertain significance for Ataxia-telangiectasia syndrome. Last evaluated: 2021-02-09. Review status: criteria provided, single submitter. Criteria: Invitae Variant Classification Sherloc (09022015). Collection method: clinical testing. Allele origin: germline.
Comment: In summary, the available evidence is currently insufficient to determine the role of this variant in disease. Therefore, it has been classified as a Variant of Uncertain Significance. Algorithms developed to predict the effect of missense changes on protein structure and function are either unavailable or do not agree on the potential impact of this missense change (SIFT: "Deleterious"; PolyPhen-2: "Probably Damaging"; Align-GVGD: "Class C0"). This variant has not been reported in the literature in individuals with ATM-related disease. This variant is not present in population databases (ExAC no frequency). This sequence change replaces leucine with histidine at codon 580 of the ATM protein (p.Leu580His). The leucine residue is moderately conserved and there is a moderate physicochemical difference between leucine and histidine.

NM_000051.4(ATM):c.1739T>A (p.Leu580His)

Gene: ATM (ATM serine/threonine kinase; plus strand). Cytogenetic location: 11q22.3.
Variant type: single nucleotide variant.
Coding change: c.1739T>A on transcript NM_000051.4 (MANE Select); coding-DNA position 1739, T replaced by A.
Protein change: p.Leu580His; replaces leucine 580 with histidine.
Molecular consequence: missense variant.
Genome position (GRCh38, 1-based): chr11:108,251,968, T>A. VCF-style: chr11-108251968-T-A. GRCh37 (hg19) VCF-style: chr11-108122695-T-A.
Other names: c.1739T>A, p.Leu580His (NM_001351834.2); c.1739T>A (NM_000051.3); short protein forms L580H.
Identifiers: ClinVar variation 1018559 (VCV001018559.9), dbSNP rs890554688, ClinGen allele CA382535325.